The following is an entry in ClinVar:

ClinVar aggregate classification (germline): Conflicting classifications of pathogenicity. Review status: criteria provided, conflicting classifications (1 of 4 stars). 5 submissions from 5 submitters: Uncertain significance (3); Benign (1). 1 of the submissions does not count toward it. Last evaluated 2026-01-27.

Conditions:
Autosomal recessive limb-girdle muscular dystrophy. Identifiers: Orphanet 102015, MedGen C2931907, MONDO:0015152.
Neuromuscular disease caused by qualitative or quantitative defects of dysferlin. Also called: Dysferlinopathy; Qualitative or quantitative defects of dysferlin. Identifiers: Orphanet 207073, MedGen C2931687, MONDO:0016145.
Autosomal recessive limb-girdle muscular dystrophy type 2B (LGMDR2). Also called: MUSCULAR DYSTROPHY, LIMB-GIRDLE, TYPE 3; Limb-Girdle Muscular Dystrophy Type 2B (LGMD2B); MUSCULAR DYSTROPHY, LIMB-GIRDLE, AUTOSOMAL RECESSIVE 2; Limb-girdle muscular dystrophy, type 2B. Identifiers: Orphanet 268, MedGen C1850889, MONDO:0009676, OMIM 253601.

Allele frequency attached by ClinVar (database versions not stated): gnomAD 0.00008; gnomAD exomes 0.00009 and 0.00018; TOPMed 0.00009; ESP Exome Variant Server 0.00015; ExAC 0.00023.
gnomAD v4.1: 156 of 1,611,282 alleles (0.0097%); highest among the groups gnomAD compares: Middle Eastern, 0.033%; no homozygotes.

Submissions (5):

Labcorp Genetics (formerly Invitae), Labcorp
Classification: Benign for Neuromuscular disease caused by qualitative or quantitative defects of dysferlin. Last evaluated: 2026-01-27. Review status: criteria provided, single submitter. Criteria: Invitae Variant Classification Sherloc (09022015). Collection method: clinical testing. Allele origin: germline.

Myriad Genetics, Inc.
Classification: Uncertain significance for Autosomal recessive limb-girdle muscular dystrophy. Last evaluated: 2025-07-28. Review status: criteria provided, single submitter. Criteria: Myriad Autosomal Dominant, Autosomal Recessive and X-Linked Classification Criteria (2023). Collection method: clinical testing. Allele origin: unknown.
Comment: NM_003494.3(DYSF):c.4410+7T>C is an intronic variant classified as a variant of uncertain significance in the context of dysferlinopathy. c.4410+7T>C has been observed in a case with relevant disease (PMID: 39678382). Relevant functional assessments of this variant are not available in the literature. c.4410+7T>C has been observed in referenced population frequency databases. In summary, there is insufficient evidence to classify NM_003494.3(DYSF):c.4410+7T>C as pathogenic or benign. Please note: this variant was assessed in the context of healthy population screening.a

Revvity Omics, Revvity
Classification: Uncertain significance. Last evaluated: 2019-06-24. Review status: criteria provided, single submitter. Criteria: ACMG Guidelines, 2015. Collection method: clinical testing. Allele origin: germline.

Illumina Laboratory Services, Illumina
Classification: Uncertain significance for Qualitative or quantitative defects of dysferlin. Last evaluated: 2018-01-13. Review status: criteria provided, single submitter. Criteria: ICSL Variant Classification Criteria 13 December 2019. Collection method: clinical testing. Allele origin: germline.

Natera, Inc.
Classification: Likely benign for Limb-girdle muscular dystrophy type 2B. Last evaluated: 2020-06-02. Review status: no assertion criteria provided. Collection method: clinical testing. Allele origin: germline. Not counted in ClinVar's aggregate classification.

Literature cited by the submitters: PubMed 39678382 (cited by Myriad Genetics, Inc.).

NM_001130987.2(DYSF):c.4464+7T>C

Gene: DYSF (dysferlin; plus strand). Cytogenetic location: 2p13.2.
Variant type: single nucleotide variant.
Coding change: c.4464+7T>C on transcript NM_001130987.2 (MANE Select); 7 bases into the intron after coding-DNA position 4464, T replaced by C.
Molecular consequence: intron variant.
Genome position (GRCh38, 1-based): chr2:71,613,417, T>C. VCF-style: chr2-71613417-T-C. GRCh37 (hg19) VCF-style: chr2-71840547-T-C.
Other names: c.4503+7T>C (NM_001130979.2); c.4461+7T>C (NM_001130981.2, NM_001130980.2); c.4410+7T>C (NM_001130978.2, NM_003494.4); c.4368+7T>C (NM_001130977.2, NM_001130976.2); c.4506+7T>C (NM_001130982.2); c.4464+7T>C (NM_001130985.2); c.4413+7T>C (NM_001130983.2, NM_001130455.2); c.4371+7T>C (NM_001130984.2, NM_001130986.2).
Identifiers: ClinVar variation 336972 (VCV000336972.21), dbSNP rs369949055, ClinGen allele CA1707013.